The following is an entry in ClinVar:

NM_001042492.3(NF1):c.384C>A (p.Asn128Lys)

Gene: NF1 (neurofibromin 1; plus strand). Cytogenetic location: 17q11.2.
Variant type: single nucleotide variant.
Coding change: c.384C>A on transcript NM_001042492.3 (MANE Select); coding-DNA position 384, C replaced by A.
Protein change: p.Asn128Lys; replaces asparagine 128 with lysine.
Molecular consequence: missense variant.
Genome position (GRCh38, 1-based): chr17:31,163,281, C>A. VCF-style: chr17-31163281-C-A. GRCh37 (hg19) VCF-style: chr17-29490299-C-A.
Other names: c.384C>A, p.Asn128Lys (NM_000267.4, NM_001128147.3); short protein forms N128K.
Identifiers: ClinVar variation 3237755 (VCV003237755.1), dbSNP rs1597635852.
Genomic context (GRCh38, chr17:31,163,281, plus strand): 5'-GCTGGTCAAACAGTTGCTGCCAGAAATCTGCCATTTTCTTCACACCTGTCGTGAAGGAAA[C>A]CAGCATGCAGCTGAACTTCGGAATTCTGCCTCTGGGGTTTTATTTTCTCTCAGCTGCAAC-3'
Protein context (NP_001035957.1, residues 118-138): CHFLHTCREG[Asn128Lys]QHAAELRNSA

ClinVar aggregate classification (germline): Uncertain significance (1 of 4 stars; one submission).

Conditions:
Hereditary cancer-predisposing syndrome. Also called: Neoplastic Syndromes, Hereditary; Tumor predisposition; Hereditary neoplastic syndrome; Hereditary Cancer Syndrome. Identifiers: Orphanet 140162, MedGen C0027672, MeSH D009386, MONDO:0015356.
Cardiovascular phenotype. Identifiers: MedGen CN230736.

Submission:

Ambry Genetics
Classification: Uncertain significance for Cardiovascular phenotype; Hereditary cancer-predisposing syndrome. Last evaluated: 2023-10-19. Review status: criteria provided, single submitter. Criteria: Ambry Variant Classification Scheme 2023. Collection method: clinical testing. Allele origin: germline.
Comment: The p.N128K variant (also known as c.384C>A), located in coding exon 4 of the NF1 gene, results from a C to A substitution at nucleotide position 384. The asparagine at codon 128 is replaced by lysine, an amino acid with similar properties. This amino acid position is conserved. In addition, this alteration is predicted to be tolerated by in silico analysis. Since supporting evidence is limited at this time, the clinical significance of this alteration remains unclear.